The following is an entry in ClinVar:

ClinVar aggregate classification (germline): Uncertain significance. Review status: criteria provided, multiple submitters, no conflicts (2 of 4 stars). 2 submissions from 2 submitters: Uncertain significance (2). Last evaluated 2024-09-01.

Conditions:
Colorectal cancer, hereditary nonpolyposis, type 7. Identifiers: Orphanet 144, MedGen C1858380, MONDO:0013725, OMIM 614385.

Allele frequency attached by ClinVar (database versions not stated): gnomAD exomes below 0.00001; ExAC 0.00001; TOPMed 0.00001.
gnomAD v4.1: 2 of 1,614,114 alleles (0.00012%); highest among the groups gnomAD compares: East Asian, 0.0045%; no homozygotes.

Submissions (2):

Ambry Genetics
Classification: Uncertain significance. Last evaluated: 2024-09-01. Review status: criteria provided, single submitter. Criteria: Ambry Variant Classification Scheme 2023. Collection method: clinical testing. Allele origin: germline.
Comment: The p.A1116G variant (also known as c.3347C>G), located in coding exon 2 of the MLH3 gene, results from a C to G substitution at nucleotide position 3347. The alanine at codon 1116 is replaced by glycine, an amino acid with similar properties. This amino acid position is conserved. In addition, this alteration is predicted to be tolerated by in silico analysis. Based on the available evidence, the clinical significance of this variant remains unclear.

Labcorp Genetics (formerly Invitae), Labcorp
Classification: Uncertain significance for Colorectal cancer, hereditary nonpolyposis, type 7. Last evaluated: 2022-11-04. Review status: criteria provided, single submitter. Criteria: Invitae Variant Classification Sherloc (09022015). Collection method: clinical testing. Allele origin: germline.
Comment: In summary, the available evidence is currently insufficient to determine the role of this variant in disease. Therefore, it has been classified as a Variant of Uncertain Significance. Algorithms developed to predict the effect of missense changes on protein structure and function output the following: SIFT: "Tolerated"; PolyPhen-2: "Benign"; Align-GVGD: "Class C0". The glycine amino acid residue is found in multiple mammalian species, which suggests that this missense change does not adversely affect protein function. This variant has not been reported in the literature in individuals affected with MLH3-related conditions. This variant is present in population databases (rs769952122, gnomAD 0.01%). This sequence change replaces alanine, which is neutral and non-polar, with glycine, which is neutral and non-polar, at codon 1116 of the MLH3 protein (p.Ala1116Gly).

NM_001040108.2(MLH3):c.3347C>G (p.Ala1116Gly)

Gene: MLH3 (mutL homolog 3; minus strand). Cytogenetic location: 14q24.3.
Variant type: single nucleotide variant.
Coding change: c.3347C>G on transcript NM_001040108.2 (MANE Select); coding-DNA position 3347, C replaced by G.
Protein change: p.Ala1116Gly; replaces alanine 1116 with glycine.
Molecular consequence: missense variant.
Genome position (GRCh38, 1-based): chr14:75,042,411, G>C on the plus strand (C>G on the coding strand, the complement: MLH3 is on the minus strand). VCF-style: chr14-75042411-G-C. GRCh37 (hg19) VCF-style: chr14-75509114-G-C.
Other names: c.3347C>G, p.Ala1116Gly (NM_014381.3); short protein forms A1116G.
Identifiers: ClinVar variation 3015206 (VCV003015206.4), dbSNP rs769952122, ClinGen allele CA7275524.